The following is an entry in ClinVar:

NM_000824.5(GLRB):c.*575T>C

Gene: GLRB (glycine receptor beta; plus strand). Cytogenetic location: 4q32.1.
Variant type: single nucleotide variant.
Coding change: c.*575T>C on transcript NM_000824.5 (MANE Select); 575 bases downstream of the stop codon, T replaced by C.
Molecular consequence: 3 prime UTR variant.
Genome position (GRCh38, 1-based): chr4:157,171,303, T>C. VCF-style: chr4-157171303-T-C. GRCh37 (hg19) VCF-style: chr4-158092455-T-C.
Other names: c.*575T>C (NM_001166060.2); c.*864T>C (NM_001166061.2).
Identifiers: ClinVar variation 347941 (VCV000347941.5), dbSNP rs114822438, ClinGen allele CA10618177.

ClinVar aggregate classification (germline): Benign (1 of 4 stars; one submission).

Conditions:
Hyperekplexia 2 (HKPX2). Identifiers: Orphanet 3197, MedGen C3553291, MONDO:0013828, OMIM 614619.

Allele frequency attached by ClinVar (database versions not stated): gnomAD exomes 0.00585; 1000 Genomes Project 0.02137; 1000 Genomes Project 30x 0.02233; TOPMed 0.02350; gnomAD 0.02397 and 0.02526.
gnomAD v4.1: 3,625 of 152,362 alleles (2.4%); highest among the groups gnomAD compares: African/African-American, 4.5%; 55 homozygotes.

Submission:

Illumina Laboratory Services, Illumina
Classification: Benign for Hyperekplexia 2. Last evaluated: 2018-01-13. Review status: criteria provided, single submitter. Criteria: ICSL Variant Classification Criteria 13 December 2019. Collection method: clinical testing. Allele origin: germline.
Comment: This variant was observed in the ICSL laboratory as part of a predisposition screen in an ostensibly healthy population. It had not been previously curated by ICSL or reported in the Human Gene Mutation Database (HGMD: prior to June 1st, 2018), and was therefore a candidate for classification through an automated scoring system. Utilizing variant allele frequency, disease prevalence and penetrance estimates, and inheritance mode, an automated score was calculated to assess if this variant is too frequent to cause the disease. Based on the score and internal cut-off values, a variant classified as benign is not then subjected to further curation. The score for this variant resulted in a classification of benign for this disease.